The following is an entry in ClinVar:

NM_000138.5(FBN1):c.4460A>C (p.Asp1487Ala)

Gene: FBN1 (fibrillin 1; minus strand). Cytogenetic location: 15q21.1.
Variant type: single nucleotide variant.
Coding change: c.4460A>C on transcript NM_000138.5 (MANE Select); coding-DNA position 4460, A replaced by C.
Protein change: p.Asp1487Ala; replaces aspartic acid 1487 with alanine.
Molecular consequence: missense variant.
Genome position (GRCh38, 1-based): chr15:48,468,534, T>G on the plus strand (A>C on the coding strand, the complement: FBN1 is on the minus strand). VCF-style: chr15-48468534-T-G. GRCh37 (hg19) VCF-style: chr15-48760731-T-G.
Other names: short protein forms D1487A.
Identifiers: ClinVar variation 549234 (VCV000549234.22), dbSNP rs1555397216, ClinGen allele CA392353833.

ClinVar aggregate classification (germline): Conflicting classifications of pathogenicity. Review status: criteria provided, conflicting classifications (1 of 4 stars). 4 submissions from 4 submitters: Likely pathogenic (2); Uncertain significance (1). 1 of the submissions does not count toward it. Last evaluated 2022-11-21.

Conditions:
Familial thoracic aortic aneurysm and aortic dissection (TAAD). Also called: Thoracic aortic aneurysms and dissections. Identifiers: Orphanet 91387, MedGen C4707243, MONDO:0019625.
Marfan syndrome (MFS). Also called: Marfan syndrome type 1; Marfan syndrome, classic; Marfan's syndrome; FBN1-Related Marfan Syndrome; MARFAN SYNDROME, TYPE I. Identifiers: Orphanet 284963, Orphanet 558, MedGen C0024796, MONDO:0007947, OMIM 154700.

Submissions (4):

GeneDx
Classification: Uncertain significance. Last evaluated: 2022-11-21. Review status: criteria provided, single submitter. Criteria: GeneDx Variant Classification Process June 2021. Collection method: clinical testing. Allele origin: germline. Affected: yes.
Comment: Reported in a patient with Marfan syndrome in published literature (Baetens et al., 2011); Not observed at significant frequency in large population cohorts (gnomAD); In silico analysis supports that this missense variant has a deleterious effect on protein structure/function; This variant is associated with the following publications: (PMID: 20591885, 21542060)

Labcorp Genetics (formerly Invitae), Labcorp
Classification: Likely pathogenic for Marfan syndrome; Familial thoracic aortic aneurysm and aortic dissection. Last evaluated: 2022-11-10. Review status: criteria provided, single submitter. Criteria: Invitae Variant Classification Sherloc (09022015). Collection method: clinical testing. Allele origin: germline.
Comment: This variant disrupts the p.Asp148 amino acid residue in FBN1. Other variant(s) that disrupt this residue have been determined to be pathogenic (PMID: 30838813; Invitae). This suggests that this residue is clinically significant, and that variants that disrupt this residue are likely to be disease-causing. This variant is not present in population databases (gnomAD no frequency). This missense change has been observed in individuals with clinical features of Marfan syndrome (PMID: 21542060; Invitae). ClinVar contains an entry for this variant (Variation ID: 549234). Algorithms developed to predict the effect of missense changes on protein structure and function (SIFT, PolyPhen-2, Align-GVGD) all suggest that this variant is likely to be disruptive. In summary, the currently available evidence indicates that the variant is pathogenic, but additional data are needed to prove that conclusively. Therefore, this variant has been classified as Likely Pathogenic. This sequence change replaces aspartic acid, which is acidic and polar, with alanine, which is neutral and non-polar, at codon 1487 of the FBN1 protein (p.Asp1487Ala).

Centre of Medical Genetics, University of Antwerp
Classification: Likely pathogenic for Marfan syndrome. Last evaluated: 2021-03-01. Review status: criteria provided, single submitter. Criteria: Submitter's publication. Collection method: research. Allele origin: unknown. Affected: yes.
Comment: PM2, PS6, PP4

Center for Medical Genetics Ghent, University of Ghent
Classification: Uncertain significance for Marfan syndrome. Last evaluated: 2017-11-07. Review status: no assertion criteria provided. Collection method: clinical testing. Allele origin: germline. Affected: yes. Not counted in ClinVar's aggregate classification.

Literature cited by the submitters: PubMed 30838813 (cited by Labcorp Genetics (formerly Invitae), Labcorp); PubMed 21542060 (cited by Labcorp Genetics (formerly Invitae), Labcorp).